The following is an entry in ClinVar:

ClinVar aggregate classification (germline): Uncertain significance (1 of 4 stars; one submission).

Conditions:
Neurodevelopmental disorder with or without hyperkinetic movements and seizures, autosomal dominant. Also called: Intellectual disability, autosomal dominant 8. Identifiers: MedGen C3280282, MONDO:0013655, OMIM 614254.

Allele frequency attached by ClinVar (database versions not stated): gnomAD exomes below 0.00001.
gnomAD v4.1: 1 of 1,612,690 alleles (0.000062%); highest among the groups gnomAD compares: East Asian, 0.0022%; no homozygotes.

Submission:

Labcorp Genetics (formerly Invitae), Labcorp
Classification: Uncertain significance for Neurodevelopmental disorder with or without hyperkinetic movements and seizures, autosomal dominant. Last evaluated: 2023-06-13. Review status: criteria provided, single submitter. Criteria: Invitae Variant Classification Sherloc (09022015). Collection method: clinical testing. Allele origin: germline.
Comment: In summary, the available evidence is currently insufficient to determine the role of this variant in disease. Therefore, it has been classified as a Variant of Uncertain Significance. Algorithms developed to predict the effect of sequence changes on RNA splicing suggest that this variant may disrupt the consensus splice site. ClinVar contains an entry for this variant (Variation ID: 660969). This variant has not been reported in the literature in individuals affected with GRIN1-related conditions. This variant is not present in population databases (gnomAD no frequency). This sequence change falls in intron 15 of the GRIN1 gene. It does not directly change the encoded amino acid sequence of the GRIN1 protein.

NM_007327.4(GRIN1):c.2172-5G>A

Gene: GRIN1 (glutamate ionotropic receptor NMDA type subunit 1; plus strand). Cytogenetic location: 9q34.3.
Variant type: single nucleotide variant.
Coding change: c.2172-5G>A on transcript NM_007327.4 (MANE Select); 5 bases into the intron before coding-DNA position 2172, G replaced by A.
Molecular consequence: intron variant.
Genome position (GRCh38, 1-based): chr9:137,163,164, G>A. VCF-style: chr9-137163164-G-A. GRCh37 (hg19) VCF-style: chr9-140057616-G-A.
Other names: c.2235-5G>A (NM_001185090.2, NM_001185091.2); c.2172-5G>A (NM_021569.4, NM_000832.7).
Identifiers: ClinVar variation 660969 (VCV000660969.11), dbSNP rs1588734042, ClinGen allele CA915945831.